The following is an entry in ClinVar:

ClinVar aggregate classification (germline): Uncertain significance (1 of 4 stars; one submission).

gnomAD v4.1: 1 of 1,612,830 alleles (0.000062%); highest among the groups gnomAD compares: Non-Finnish European, 0.000085%; no homozygotes.

Submission:

Labcorp Genetics (formerly Invitae), Labcorp
Classification: Uncertain significance. Last evaluated: 2024-04-10. Review status: criteria provided, single submitter. Criteria: Invitae Variant Classification Sherloc (09022015). Collection method: clinical testing. Allele origin: germline.
Comment: This sequence change falls in intron 16 of the A2ML1 gene. It does not directly change the encoded amino acid sequence of the A2ML1 protein. This variant is not present in population databases (gnomAD no frequency). This variant has not been reported in the literature in individuals affected with A2ML1-related conditions. ClinVar contains an entry for this variant (Variation ID: 1406946). Algorithms developed to predict the effect of sequence changes on RNA splicing suggest that this variant may disrupt the consensus splice site. In summary, the available evidence is currently insufficient to determine the role of this variant in disease. Therefore, it has been classified as a Variant of Uncertain Significance.

NM_144670.6(A2ML1):c.2029-10T>A

Gene: A2ML1 (alpha-2-macroglobulin like 1; plus strand). Cytogenetic location: 12p13.31.
Variant type: single nucleotide variant.
Coding change: c.2029-10T>A on transcript NM_144670.6 (MANE Select); 10 bases into the intron before coding-DNA position 2029, T replaced by A.
Molecular consequence: intron variant.
Genome position (GRCh38, 1-based): chr12:8,849,659, T>A. VCF-style: chr12-8849659-T-A. GRCh37 (hg19) VCF-style: chr12-9002255-T-A.
Other names: c.556-10T>A (NM_001282424.3).
Identifiers: ClinVar variation 1406946 (VCV001406946.6), dbSNP rs2136866469, ClinGen allele CA2573148446.